The following is an entry in ClinVar:

NM_019032.6(ADAMTSL4):c.1981del (p.Leu661fs)

Genes: ADAMTSL4 (ADAMTS like 4; plus strand), ADAMTSL4-AS2 (ADAMTSL4 antisense RNA 2; minus strand). Cytogenetic location: 1q21.2.
Variant type: Deletion.
Coding change: c.1981del on transcript NM_019032.6 (MANE Select); coding-DNA position 1981, one base deleted (C; older notation c.1981delC).
Protein change: p.Leu661fs; shifts the reading frame from leucine 661.
Molecular consequence: frameshift variant.
Genome position (GRCh38, 1-based): chr1:150,557,269, C deleted; the last of 4 consecutive C bases (chr1:150,557,266-150,557,269); deleting any one gives the same sequence. VCF-style (leftmost placement, unchanged base first): chr1-150557265-AC-A. GRCh37 (hg19) VCF-style: chr1-150529741-AC-A.
Other names: c.1864del, p.Leu622fs (NM_001288607.2); c.2050del, p.Leu684fs (NM_001288608.2); c.1981del, p.Leu661fs (NM_001378596.1, NM_025008.5); short protein forms L661fs, L622fs, L684fs.
Identifiers: ClinVar variation 2859024 (VCV002859024.3), dbSNP rs1672254117, ClinGen allele CA2479210852.

ClinVar aggregate classification (germline): Pathogenic (1 of 4 stars; one submission).

Submission:

Labcorp Genetics (formerly Invitae), Labcorp
Classification: Pathogenic. Last evaluated: 2023-04-25. Review status: criteria provided, single submitter. Criteria: Invitae Variant Classification Sherloc (09022015). Collection method: clinical testing. Allele origin: germline.
Comment: This sequence change creates a premature translational stop signal (p.Leu661Trpfs*158) in the ADAMTSL4 gene. It is expected to result in an absent or disrupted protein product. Loss-of-function variants in ADAMTSL4 are known to be pathogenic (PMID: 20564469, 28642162). For these reasons, this variant has been classified as Pathogenic. This variant has not been reported in the literature in individuals affected with ADAMTSL4-related conditions. This variant is not present in population databases (gnomAD no frequency).

Literature cited by the submitters: PubMed 20564469; PubMed 28642162.